The following is an entry in ClinVar:

NM_133379.5(TTN):c.13410dup (p.Gly4471fs)

Gene: TTN (titin; minus strand). Cytogenetic location: 2q31.2.
Variant type: Duplication.
Coding change: c.13410dup on transcript NM_133379.5; coding-DNA position 13410, one base duplicated (A; older notation c.13410dupA).
Protein change: p.Gly4471fs; shifts the reading frame from glycine 4471.
Molecular consequence: frameshift variant. On other transcripts: intron variant (6).
Genome position (GRCh38, 1-based): chr2:178,748,990, T duplicated on the plus strand (A on the coding strand, the reverse complement: TTN is on the minus strand); the first of 5 consecutive T bases (chr2:178,748,990-178,748,994); duplicating any one gives the same sequence. VCF-style (leftmost placement, unchanged base first): chr2-178748989-C-CT. GRCh37 (hg19) VCF-style: chr2-179613716-C-CT.
Other names: c.13410dup (LRG_391t2); c.10222+4130dup (NM_003319.4); c.10798+4130dup (NM_133437.4); c.10597+4130dup (NM_133432.3); c.10360+4130dup (NM_133378.4, NM_001256850.1); c.11311+4130dup (NM_001267550.2); short protein forms G4471fs.
Identifiers: ClinVar variation 223359 (VCV000223359.1), dbSNP rs768458450, ClinGen allele CA352446.

ClinVar aggregate classification (germline): Uncertain significance (1 of 4 stars; one submission).

Conditions:
Primary dilated cardiomyopathy (DCM). Also called: Dilated Cardiomyopathy. Identifiers: Orphanet 217604, MedGen C0007193, MeSH D002311, MONDO:0005021, HP:0001644. Inheritance: Various modes of inheritance.

Submission:

Cardiovascular Biomedical Research Unit, Royal Brompton & Harefield NHS Foundation Trust
Classification: Uncertain significance for Primary dilated cardiomyopathy. Last evaluated: 2014-10-08. Review status: criteria provided, single submitter. Criteria: Roberts et al. 2015. Collection method: research. Allele origin: germline. Inheritance: Autosomal dominant inheritance. Affected: no. Observed: 1 variant allele. Study: JHS cohort.
Comment: It affects only the Novex-3 isoform, which does not span the sarcomere and has not been implicated in DCM. In the seven cohorts assessed, TTNtv were found in 14% of ambulant DCM, 22% end-stage or familial DCM, and 2% controls. Heterozygous nonsense, frameshift and canonical splice-disrupting variants found in constitutive and other highly utilised exons are highly likely to be pathogenic when identified in individuals with phenotypically confirmed DCM. TTNtv found incidentally in healthy individuals (excluding familial assessment of DCM relatives) are thought to have low penetrance, particularly when identified in exons that are not constitutively expressed in the heart.